The following is an entry in ClinVar:

ClinVar aggregate classification (germline): Pathogenic (1 of 4 stars; one submission).

Submission:

Labcorp Genetics (formerly Invitae), Labcorp
Classification: Pathogenic. Last evaluated: 2023-05-18. Review status: criteria provided, single submitter. Criteria: Invitae Variant Classification Sherloc (09022015). Collection method: clinical testing. Allele origin: germline.
Comment: For these reasons, this variant has been classified as Pathogenic. This variant has not been reported in the literature in individuals affected with COL18A1-related conditions. This variant is not present in population databases (gnomAD no frequency). This sequence change creates a premature translational stop signal (p.Thr853Leufs*56) in the COL18A1 gene. It is expected to result in an absent or disrupted protein product. Loss-of-function variants in COL18A1 are known to be pathogenic (PMID: 12415512, 25456301).

Literature cited by the submitters: PubMed 12415512; PubMed 25456301.

NM_001379500.1(COL18A1):c.2553del (p.Thr853fs)

Gene: COL18A1 (collagen type XVIII alpha 1 chain; plus strand). Cytogenetic location: 21q22.3.
Variant type: Deletion.
Coding change: c.2553del on transcript NM_001379500.1 (MANE Select); coding-DNA position 2553, one base deleted (A; older notation c.2553delA).
Protein change: p.Thr853fs; shifts the reading frame from threonine 853.
Molecular consequence: frameshift variant.
Genome position (GRCh38, 1-based): chr21:45,496,544, A deleted. VCF-style (leftmost placement, unchanged base first): chr21-45496543-CA-C. GRCh37 (hg19) VCF-style: chr21-46916457-CA-C.
Other names: c.3093del, p.Thr1033fs (NM_030582.4); c.3798del, p.Thr1268fs (NM_130444.3); short protein forms T1033fs, T1268fs, T853fs.
Identifiers: ClinVar variation 2865490 (VCV002865490.3), dbSNP rs2517715126, ClinGen allele CA2739267689.